The following is an entry in ClinVar:

ClinVar aggregate classification (germline): Uncertain significance (1 of 4 stars; one submission).

Conditions:
Pierson syndrome. Also called: MICROCORIA-CONGENITAL NEPHROTIC SYNDROME. Identifiers: Orphanet 2670, MedGen C1836876, MONDO:0012184, OMIM 609049.
LAMB2-related infantile-onset nephrotic syndrome. Also called: NEPHROTIC SYNDROME, TYPE 5, WITHOUT OCULAR ABNORMALITIES; NEPHROTIC SYNDROME, TYPE 5, WITH OCULAR ABNORMALITIES; Nephrotic Syndrome, type 5. Identifiers: Orphanet 306507, MedGen C3280113, MONDO:0013621, OMIM 614199.

Allele frequency attached by ClinVar (database versions not stated): gnomAD 0.00001; gnomAD exomes 0.00005 and 0.00010; ExAC 0.00012.
gnomAD v4.1: 68 of 1,613,886 alleles (0.0042%); highest among the groups gnomAD compares: South Asian, 0.074%; no homozygotes.

Submission:

Labcorp Genetics (formerly Invitae), Labcorp
Classification: Uncertain significance for LAMB2-related infantile-onset nephrotic syndrome; Pierson syndrome. Last evaluated: 2022-07-18. Review status: criteria provided, single submitter. Criteria: Invitae Variant Classification Sherloc (09022015). Collection method: clinical testing. Allele origin: germline.
Comment: This sequence change replaces arginine, which is basic and polar, with histidine, which is basic and polar, at codon 1703 of the LAMB2 protein (p.Arg1703His). This variant is present in population databases (rs771531508, gnomAD 0.08%). This missense change has been observed in individual(s) with nephrotic syndrome (PMID: 30013592). ClinVar contains an entry for this variant (Variation ID: 1442178). Algorithms developed to predict the effect of missense changes on protein structure and function (SIFT, PolyPhen-2, Align-GVGD) all suggest that this variant is likely to be tolerated. In summary, the available evidence is currently insufficient to determine the role of this variant in disease. Therefore, it has been classified as a Variant of Uncertain Significance.

Literature cited by the submitters: PubMed 30013592.

NM_002292.4(LAMB2):c.5108G>A (p.Arg1703His)

Gene: LAMB2 (laminin subunit beta 2; minus strand). Cytogenetic location: 3p21.31.
Variant type: single nucleotide variant.
Coding change: c.5108G>A on transcript NM_002292.4 (MANE Select); coding-DNA position 5108, G replaced by A.
Protein change: p.Arg1703His; replaces arginine 1703 with histidine.
Molecular consequence: missense variant.
Genome position (GRCh38, 1-based): chr3:49,121,585, C>T on the plus strand (G>A on the coding strand, the complement: LAMB2 is on the minus strand). VCF-style: chr3-49121585-C-T. GRCh37 (hg19) VCF-style: chr3-49159018-C-T.
Other names: short protein forms R1703H.
Identifiers: ClinVar variation 1442178 (VCV001442178.5), dbSNP rs771531508, ClinGen allele CA2393600.